The following is an entry in ClinVar:

ClinVar aggregate classification (germline): Likely benign. Review status: criteria provided, multiple submitters, no conflicts (2 of 4 stars). 2 submissions from 2 submitters: Likely benign (2). Last evaluated 2026-08-21.

Conditions:
SBF1-related disorder. Also called: SBF1-related condition.

Submissions (2):

PreventionGenetics, part of Exact Sciences
Classification: Likely benign for SBF1-related condition. Last evaluated: 2026-08-21. Review status: criteria provided, single submitter. Criteria: ACMG Guidelines, 2015. Collection method: clinical testing. Allele origin: germline.
Comment: This variant is classified as likely benign based on ACMG/AMP sequence variant interpretation guidelines (Richards et al. 2015 PMID: 25741868, with internal and published modifications).

Labcorp Genetics (formerly Invitae), Labcorp
Classification: Likely benign. Last evaluated: 2023-07-17. Review status: criteria provided, single submitter. Criteria: Invitae Variant Classification Sherloc (09022015). Collection method: clinical testing. Allele origin: germline.

NM_002972.4(SBF1):c.3918T>C (p.Ser1306=)

Gene: SBF1 (SET binding factor 1; minus strand). Cytogenetic location: 22q13.33.
Variant type: single nucleotide variant.
Coding change: c.3918T>C on transcript NM_002972.4 (MANE Select); coding-DNA position 3918, T replaced by C.
Protein change: p.Ser1306=; no amino-acid change (serine 1306 retained).
Molecular consequence: synonymous variant.
Genome position (GRCh38, 1-based): chr22:50,456,660, A>G on the plus strand (T>C on the coding strand, the complement: SBF1 is on the minus strand). VCF-style: chr22-50456660-A-G. GRCh37 (hg19) VCF-style: chr22-50895089-A-G.
Other names: c.3843T>C, p.Ser1281= (NM_001365819.1); c.3921T>C, p.Ser1307= (NM_001410794.1); c.3840T>C, p.Ser1280= (NM_001410795.1); c.3918T>C, p.Ser1306= (NM_197971.1); c.3918T>C (NM_002972.3).
Identifiers: ClinVar variation 2777096 (VCV002777096.4), dbSNP rs2521860168, ClinGen allele CA515265649.